The following is an entry in ClinVar:

NM_014264.5(PLK4):c.709_714del (p.Glu237_Ala238del)

Gene: PLK4 (polo like kinase 4; plus strand). Cytogenetic location: 4q28.1.
Variant type: Deletion.
Coding change: c.709_714del on transcript NM_014264.5 (MANE Select); coding-DNA positions 709 to 714, 6 bases deleted (GAGGCC; older notation c.709_714delGAGGCC).
Protein change: p.Glu237_Ala238del.
Molecular consequence: inframe deletion.
Genome position (GRCh38, 1-based): chr4:127,886,079-127,886,084, GAGGCC deleted. VCF-style (leftmost placement, unchanged base first): chr4-127886078-AGAGGCC-A. GRCh37 (hg19) VCF-style: chr4-128807233-AGAGGCC-A.
Other names: c.613_618del, p.Glu205_Ala206del (NM_001190799.2); c.586_591del, p.Glu196_Ala197del (NM_001190801.2).
Identifiers: ClinVar variation 2099513 (VCV002099513.5), dbSNP rs1735113279, ClinGen allele CA1492790906.
Genomic context (GRCh38, chr4:127,886,078, plus strand): 5'-CAAGAACACATTAAATAAAGTAGTATTGGCAGATTATGAAATGCCATCTTTTTTGTCAAT[AGAGGCC>A]AAGGACCTTATTCACCAGTTACTTCGTAGAAATCCAGCAGATCGTTTAAGTCTGTCTTCA-3'

ClinVar aggregate classification (germline): Uncertain significance (1 of 4 stars; one submission).

Allele frequency attached by ClinVar (database versions not stated): TOPMed below 0.00001.

Submissions (2):

Labcorp Genetics (formerly Invitae), Labcorp
Classification: Uncertain significance. Last evaluated: 2022-02-19. Review status: criteria provided, single submitter. Criteria: Invitae Variant Classification Sherloc (09022015). Collection method: clinical testing. Allele origin: germline.
Comment: This variant, c.709_714del, results in the deletion of 2 amino acid(s) of the PLK4 protein (p.Glu237_Ala238del), but otherwise preserves the integrity of the reading frame. This variant is not present in population databases (gnomAD no frequency). This variant has not been reported in the literature in individuals affected with PLK4-related conditions. Experimental studies and prediction algorithms are not available or were not evaluated, and the functional significance of this variant is currently unknown. In summary, the available evidence is currently insufficient to determine the role of this variant in disease. Therefore, it has been classified as a Variant of Uncertain Significance.

Dr. Peter K. Rogan Lab, Western University
No classification provided (evidence only). Condition: Chronic lymphocytic leukemia/small lymphocytic lymphoma. Review status: no classification provided. Collection method: in vitro. Allele origin: not applicable. Functional consequence: retained intron. Not counted in ClinVar's aggregate classification.